The following is an entry in ClinVar:

NM_177924.5(ASAH1):c.648+1G>A

Gene: ASAH1 (N-acylsphingosine amidohydrolase 1; minus strand). Cytogenetic location: 8p22.
Variant type: single nucleotide variant.
Coding change: c.648+1G>A on transcript NM_177924.5 (MANE Select); the canonical splice donor site of the intron after coding-DNA position 648, G replaced by A.
Molecular consequence: splice donor variant.
Genome position (GRCh38, 1-based): chr8:18,062,278, C>T on the plus strand (G>A on the coding strand, the complement: ASAH1 is on the minus strand). VCF-style: chr8-18062278-C-T. GRCh37 (hg19) VCF-style: chr8-17919787-C-T.
Other names: c.696+1G>A (NM_004315.6); c.630+1G>A (NM_001127505.3); c.453+1G>A (NM_001363743.2).
Identifiers: ClinVar variation 1524682 (VCV001524682.6), dbSNP rs1411267767, ClinGen allele CA370429793.
Genomic context (GRCh38, chr8:18,062,278, plus strand): 5'-TTACATAACGGTAACAGGACAGAAGGCTACCTGTATAATTATGTAACAACAGACTCCTTA[C>T]TGGTTTGAATCCTGTTAACATGCCCACATAGCCAGCAAAGCTTGAAGCCTTGAAGACAGT-3'

ClinVar aggregate classification (germline): Likely pathogenic (1 of 4 stars; one submission).

Allele frequency attached by ClinVar (database versions not stated): TOPMed 0.00001.
gnomAD v4.1: 1 of 1,614,176 alleles (0.000062%); highest among the groups gnomAD compares: Non-Finnish European, 0.000085%; no homozygotes.

Submission:

Labcorp Genetics (formerly Invitae), Labcorp
Classification: Likely pathogenic. Last evaluated: 2022-12-01. Review status: criteria provided, single submitter. Criteria: Invitae Variant Classification Sherloc (09022015). Collection method: clinical testing. Allele origin: germline.
Comment: This variant has not been reported in the literature in individuals affected with ASAH1-related conditions. ClinVar contains an entry for this variant (Variation ID: 1524682). Algorithms developed to predict the effect of sequence changes on RNA splicing suggest that this variant may disrupt the consensus splice site. In summary, the currently available evidence indicates that the variant is pathogenic, but additional data are needed to prove that conclusively. Therefore, this variant has been classified as Likely Pathogenic. This variant is not present in population databases (gnomAD no frequency). This sequence change affects a donor splice site in intron 8 of the ASAH1 gene. It is expected to disrupt RNA splicing. Variants that disrupt the donor or acceptor splice site typically lead to a loss of protein function (PMID: 16199547), and loss-of-function variants in ASAH1 are known to be pathogenic (PMID: 24164096, 24355074).

Literature cited by the submitters: PubMed 16199547; PubMed 24164096; PubMed 24355074.